The following is an entry in ClinVar:

ClinVar aggregate classification (germline): Uncertain significance (1 of 4 stars; one submission).

Allele frequency attached by ClinVar (database versions not stated): gnomAD exomes 0.00001; ExAC 0.00002; TOPMed 0.00002; gnomAD 0.00003 and 0.00004; ESP Exome Variant Server 0.00008.

Submission:

Labcorp Genetics (formerly Invitae), Labcorp
Classification: Uncertain significance. Last evaluated: 2025-07-02. Review status: criteria provided, single submitter. Criteria: Invitae Variant Classification Sherloc (09022015). Collection method: clinical testing. Allele origin: germline.
Comment: This sequence change replaces arginine, which is basic and polar, with tryptophan, which is neutral and slightly polar, at codon 1630 of the KMT2A protein (p.Arg1630Trp). This variant is present in population databases (rs376776245, gnomAD 0.02%). This variant has not been reported in the literature in individuals affected with KMT2A-related conditions. ClinVar contains an entry for this variant (Variation ID: 1505137). Invitae Evidence Modeling of protein sequence and biophysical properties (such as structural, functional, and spatial information, amino acid conservation, physicochemical variation, residue mobility, and thermodynamic stability) indicates that this missense variant is not expected to disrupt KMT2A protein function with a negative predictive value of 95%. In summary, the available evidence is currently insufficient to determine the role of this variant in disease. Therefore, it has been classified as a Variant of Uncertain Significance.

NM_001197104.2(KMT2A):c.4888C>T (p.Arg1630Trp)

Gene: KMT2A (lysine methyltransferase 2A; plus strand). Cytogenetic location: 11q23.3.
Variant type: single nucleotide variant.
Coding change: c.4888C>T on transcript NM_001197104.2 (MANE Select); coding-DNA position 4888, C replaced by T.
Protein change: p.Arg1630Trp; replaces arginine 1630 with tryptophan.
Molecular consequence: missense variant.
Genome position (GRCh38, 1-based): chr11:118,491,812, C>T. VCF-style: chr11-118491812-C-T. GRCh37 (hg19) VCF-style: chr11-118362527-C-T.
Other names: c.4879C>T, p.Arg1627Trp (NM_005933.4); short protein forms R1627W, R1630W.
Identifiers: ClinVar variation 1505137 (VCV001505137.6), dbSNP rs376776245, ClinGen allele CA6303966.